The following is an entry in ClinVar:

NC_000014.9:g.105852108C>T

Genes: IGH (immunoglobulin heavy locus; minus strand), IGHM (immunoglobulin heavy constant mu; minus strand). Cytogenetic location: 14q32.33.
Variant type: single nucleotide variant.
Genome position: GRCh38 VCF-style: chr14-105852108-C-T. GRCh37 (hg19) VCF-style: chr14-106318440-T-T.
Identifiers: ClinVar variation 2688319 (VCV002688319.2), dbSNP rs2256589, ClinGen allele CA266542264.

ClinVar aggregate classification (germline): Benign (1 of 4 stars; one submission).

Allele frequency attached by ClinVar (database versions not stated): gnomAD exomes 0.01974; gnomAD 0.03159; TOPMed 0.03967; 1000 Genomes Project 30x 0.04528.

Submission:

Unidad de Genómica Garrahan, Hospital de Pediatría Garrahan
Classification: Benign. Last evaluated: 2024-01-24. Review status: criteria provided, single submitter. Criteria: ACMG Guidelines, 2015. Collection method: clinical testing. Allele origin: germline. Affected: no. Observed: 21 variant alleles.
Comment: This variant is classified as Benign based on local population frequency. This variant was detected in 22% of patients studied by a panel of primary immunodeficiencies. Number of patients: 21. Only high quality variants are reported.